The following is an entry in ClinVar:

NM_004360.5(CDH1):c.1882G>A (p.Ala628Thr)

Gene: CDH1 (cadherin 1; plus strand). Cytogenetic location: 16q22.1.
Variant type: single nucleotide variant.
Coding change: c.1882G>A on transcript NM_004360.5 (MANE Select); coding-DNA position 1882, G replaced by A.
Protein change: p.Ala628Thr; replaces alanine 628 with threonine.
Molecular consequence: missense variant. On other transcripts: 5 prime UTR variant (1).
Genome position (GRCh38, 1-based): chr16:68,822,171, G>A. VCF-style: chr16-68822171-G-A. GRCh37 (hg19) VCF-style: chr16-68856074-G-A.
Other names: c.1699G>A, p.Ala567Thr (NM_001317184.2); c.334G>A, p.Ala112Thr (NM_001317185.2); c.-84G>A (NM_001317186.2); short protein forms A628T, A112T, A567T.
Identifiers: ClinVar variation 5033919 (VCV005033919.1).

ClinVar aggregate classification (germline): Uncertain significance (1 of 4 stars; one submission).

Conditions:
Hereditary cancer-predisposing syndrome. Also called: Neoplastic Syndromes, Hereditary; Tumor predisposition; Hereditary neoplastic syndrome; Hereditary Cancer Syndrome. Identifiers: Orphanet 140162, MedGen C0027672, MeSH D009386, MONDO:0015356.

gnomAD v4.1: 1 of 1,614,082 alleles (0.000062%); no homozygotes.

Submission:

Ambry Genetics
Classification: Uncertain significance for Hereditary cancer-predisposing syndrome. Last evaluated: 2026-07-06. Review status: criteria provided, single submitter. Criteria: Ambry Variant Classification Scheme 2023. Collection method: clinical testing. Allele origin: germline.
Comment: The p.A628T variant (also known as c.1882G>A), located in coding exon 12 of the CDH1 gene, results from a G to A substitution at nucleotide position 1882. The alanine at codon 628 is replaced by threonine, an amino acid with similar properties. This amino acid position is conserved. In addition, this alteration is predicted to be tolerated by in silico analysis. Based on the available evidence, the clinical significance of this variant remains unclear.